The following is an entry in ClinVar:

ClinVar aggregate classification (germline): Uncertain significance (1 of 4 stars; one submission).

Allele frequency attached by ClinVar (database versions not stated): TOPMed below 0.00001.
gnomAD v4.1: 1 of 1,614,176 alleles (0.000062%); highest among the groups gnomAD compares: Non-Finnish European, 0.000085%; no homozygotes.

Submission:

Labcorp Genetics (formerly Invitae), Labcorp
Classification: Uncertain significance. Last evaluated: 2023-10-29. Review status: criteria provided, single submitter. Criteria: Invitae Variant Classification Sherloc (09022015). Collection method: clinical testing. Allele origin: germline.
Comment: This sequence change replaces proline, which is neutral and non-polar, with histidine, which is basic and polar, at codon 18 of the EMC1 protein (p.Pro18His). This variant is not present in population databases (gnomAD no frequency). This variant has not been reported in the literature in individuals affected with EMC1-related conditions. Advanced modeling of protein sequence and biophysical properties (such as structural, functional, and spatial information, amino acid conservation, physicochemical variation, residue mobility, and thermodynamic stability) performed at Invitae indicates that this missense variant is not expected to disrupt EMC1 protein function with a negative predictive value of 80%. In summary, the available evidence is currently insufficient to determine the role of this variant in disease. Therefore, it has been classified as a Variant of Uncertain Significance.

NM_015047.3(EMC1):c.53C>A (p.Pro18His)

Gene: EMC1 (ER membrane protein complex subunit 1; minus strand). Cytogenetic location: 1p36.13.
Variant type: single nucleotide variant.
Coding change: c.53C>A on transcript NM_015047.3 (MANE Select); coding-DNA position 53, C replaced by A.
Protein change: p.Pro18His; replaces proline 18 with histidine.
Molecular consequence: missense variant.
Genome position (GRCh38, 1-based): chr1:19,251,457, G>T on the plus strand (C>A on the coding strand, the complement: EMC1 is on the minus strand). VCF-style: chr1-19251457-G-T. GRCh37 (hg19) VCF-style: chr1-19577951-G-T.
Other names: c.53C>A, p.Pro18His (NM_001271427.2, NM_001271428.2, NM_001271429.2 and 2 more transcripts); short protein forms P18H.
Identifiers: ClinVar variation 2811549 (VCV002811549.3), dbSNP rs2093659046, ClinGen allele CA338775723.